The following is an entry in ClinVar:

NM_005733.3(KIF20A):c.316G>T (p.Ala106Ser)

Gene: KIF20A (kinesin family member 20A; plus strand). Cytogenetic location: 5q31.2.
Variant type: single nucleotide variant.
Coding change: c.316G>T on transcript NM_005733.3 (MANE Select); coding-DNA position 316, G replaced by T.
Protein change: p.Ala106Ser; replaces alanine 106 with serine.
Molecular consequence: missense variant.
Genome position (GRCh38, 1-based): chr5:138,181,669, G>T. VCF-style: chr5-138181669-G-T. GRCh37 (hg19) VCF-style: chr5-137517358-G-T.
Other names: c.316G>T (NM_005733.2); short protein forms A106S.
Identifiers: ClinVar variation 2991524 (VCV002991524.4), dbSNP rs747904264, ClinGen allele CA3426276.

ClinVar aggregate classification (germline): Uncertain significance. Review status: criteria provided, multiple submitters, no conflicts (2 of 4 stars). 2 submissions from 2 submitters: Uncertain significance (2). Last evaluated 2025-10-24.

Allele frequency attached by ClinVar (database versions not stated): gnomAD 0.00001; gnomAD exomes 0.00001; ExAC 0.00002.
gnomAD v4.1: 4 of 1,614,070 alleles (0.00025%); highest among the groups gnomAD compares: Admixed American, 0.0067%; no homozygotes.

Submissions (2):

Ambry Genetics
Classification: Uncertain significance. Last evaluated: 2025-10-24. Review status: criteria provided, single submitter. Criteria: Ambry Variant Classification Scheme 2023. Collection method: clinical testing. Allele origin: germline.

Labcorp Genetics (formerly Invitae), Labcorp
Classification: Uncertain significance. Last evaluated: 2023-11-29. Review status: criteria provided, single submitter. Criteria: Invitae Variant Classification Sherloc (09022015). Collection method: clinical testing. Allele origin: germline.
Comment: This sequence change replaces alanine, which is neutral and non-polar, with serine, which is neutral and polar, at codon 106 of the KIF20A protein (p.Ala106Ser). This variant is present in population databases (rs747904264, gnomAD 0.009%). This variant has not been reported in the literature in individuals affected with KIF20A-related conditions. An algorithm developed to predict the effect of missense changes on protein structure and function (PolyPhen-2) suggests that this variant is likely to be tolerated. In summary, the available evidence is currently insufficient to determine the role of this variant in disease. Therefore, it has been classified as a Variant of Uncertain Significance.